The following is an entry in ClinVar:

NM_002547.3(OPHN1):c.116_127del (p.Val39_Asp42del)

Gene: OPHN1 (oligophrenin 1; minus strand). Cytogenetic location: Xq12.
Variant type: Deletion.
Coding change: c.116_127del on transcript NM_002547.3 (MANE Select); coding-DNA positions 116 to 127, 12 bases deleted (TAATCAAAGACG).
Protein change: p.Val39_Asp42del.
Molecular consequence: inframe deletion.
Genome position (GRCh38, 1-based): chrX:68,432,894-68,432,905, CGTCTTTGATTA deleted on the plus strand (TAATCAAAGACG on the coding strand, the reverse complement: OPHN1 is on the minus strand); deleting any 12 consecutive bases within chrX:68,432,894-68,432,915 gives the same sequence; the c. name uses the placement nearest the transcript's 3' end. VCF-style (leftmost placement, unchanged base first): chrX-68432893-CCGTCTTTGATTA-C. GRCh37 (hg19) VCF-style: chrX-67652735-CCGTCTTTGATTA-C.
Other names: c.116_127del12 (NM_002547.2).
Identifiers: ClinVar variation 995998 (VCV000995998.7), dbSNP rs2078892867, ClinGen allele CA1139667604.

ClinVar aggregate classification (germline): Conflicting classifications of pathogenicity. Review status: criteria provided, conflicting classifications (1 of 4 stars). 3 submissions from 3 submitters: Likely pathogenic (1); Uncertain significance (2). Last evaluated 2025-01-22.

Conditions:
Intellectual developmental disorder, X-linked, syndromic, Billuart type. Also called: MENTAL RETARDATION, X-LINKED 60; X-linked intellectual disability-cerebellar hypoplasia syndrome. Identifiers: Orphanet 137831, MedGen C1845366, MONDO:0010337, OMIM 300486.
Inborn genetic diseases. Identifiers: MedGen C0950123, MeSH D030342.

Submissions (3):

Ambry Genetics
Classification: Uncertain significance for Inborn genetic diseases. Last evaluated: 2025-01-22. Review status: criteria provided, single submitter. Criteria: Ambry Variant Classification Scheme 2023. Collection method: clinical testing. Allele origin: germline.
Comment: The c.116_127del12 (p.V39_D42del) alteration, located in exon 2 (coding exon 1) of the OPHN1 gene, results from an in-frame deletion of 12 nucleotides at positions 116 to 127. This results in the deletion of 4 amino acids between codons 39 and 42. This variant was not reported in population-based cohorts in the Genome Aggregation Database (gnomAD). This variant was reported in individual(s) with features consistent with OPHN1-related neurodevelopmental disorder (Nuovo, 2021). These amino acid positions are not well conserved in available vertebrate species. This alteration is predicted to be deleterious by in silico analysis (Choi, 2012) Based on insufficient or conflicting evidence, the clinical significance of this alteration remains unclear.

Labcorp Genetics (formerly Invitae), Labcorp
Classification: Uncertain significance. Last evaluated: 2023-08-04. Review status: criteria provided, single submitter. Criteria: Invitae Variant Classification Sherloc (09022015). Collection method: clinical testing. Allele origin: germline.
Comment: This variant, c.116_127del, results in the deletion of 4 amino acid(s) of the OPHN1 protein (p.Val39_Asp42del), but otherwise preserves the integrity of the reading frame. This variant is not present in population databases (gnomAD no frequency). This variant has been observed in individual(s) with OPHN1-related conditions (PMID: 33638601). ClinVar contains an entry for this variant (Variation ID: 995998). Experimental studies and prediction algorithms are not available or were not evaluated, and the functional significance of this variant is currently unknown. In summary, the available evidence is currently insufficient to determine the role of this variant in disease. Therefore, it has been classified as a Variant of Uncertain Significance.

Human Neuroscience, La Sapienza University of Rome
Classification: Likely pathogenic for Intellectual developmental disorder, X-linked, syndromic, Billuart type. Review status: criteria provided, single submitter. Criteria: ACMG Guidelines, 2015. Collection method: clinical testing. Allele origin: maternal. Inheritance: X-linked inheritance. Affected: yes. Observed: 1 variant allele, 1 hemizygote.
Comment: The variant was identified in a single family and classified as "likely pathogenic" according to the ACMG criteria (PM2, PM4, PP2, PP3 and PP4). Data not yet published.

Literature cited by the submitters: PubMed 33638601 (cited by Ambry Genetics and Labcorp Genetics (formerly Invitae), Labcorp).